The following is an entry in ClinVar:

NM_007294.4(BRCA1):c.2192A>G (p.Lys731Arg)

Gene: BRCA1 (BRCA1 DNA repair associated; minus strand). Cytogenetic location: 17q21.31.
Variant type: single nucleotide variant.
Coding change: c.2192A>G on transcript NM_007294.4 (MANE Select); coding-DNA position 2192, A replaced by G.
Protein change: p.Lys731Arg; replaces lysine 731 with arginine.
Molecular consequence: missense variant. On other transcripts: intron variant (137).
Genome position (GRCh38, 1-based): chr17:43,093,339, T>C on the plus strand (A>G on the coding strand, the complement: BRCA1 is on the minus strand). VCF-style: chr17-43093339-T-C. GRCh37 (hg19) VCF-style: chr17-41245356-T-C.
Other names: c.671-2307A>G (NM_001408420.1, NM_001408423.1, NM_001408419.1 and 2 more transcripts); c.787+1405A>G (NM_001408404.1, NM_001408472.1, NM_001407990.1 and 17 more transcripts); c.788-1200A>G (NM_001407969.1, NM_001407968.1); c.577+1405A>G (NM_001408492.1, NM_001408513.1, NM_001408481.1 and 9 more transcripts); c.643+1405A>G (NM_001408468.1, NM_001408470.1, NM_001408464.1 and 3 more transcripts); c.523+1405A>G (NM_001408501.1, NM_001408500.1, NM_001408497.1 and 3 more transcripts); c.646+1405A>G (NM_001408455.1, NM_001408466.1, NM_001408452.1 and 11 more transcripts); c.520+1405A>G (NM_001408503.1, NM_001408505.1, NM_001408504.1); and 41 more; short protein forms K705R, K728R, K730R, K731R, K563R, K620R, K642R, K664R.
Identifiers: ClinVar variation 4824198 (VCV004824198.1).

ClinVar aggregate classification (germline): Uncertain significance (1 of 4 stars; one submission).

Conditions:
Hereditary cancer-predisposing syndrome. Also called: Neoplastic Syndromes, Hereditary; Hereditary neoplastic syndrome; Tumor predisposition; Hereditary Cancer Syndrome. Identifiers: Orphanet 140162, MedGen C0027672, MeSH D009386, MONDO:0015356.

gnomAD v4.1: 1 of 1,613,458 alleles (0.000062%); highest among the groups gnomAD compares: Non-Finnish European, 0.000085%; no homozygotes.

Submission:

Ambry Genetics
Classification: Uncertain significance for Hereditary cancer-predisposing syndrome. Last evaluated: 2026-02-13. Review status: criteria provided, single submitter. Criteria: Ambry Variant Classification Scheme 2023. Collection method: clinical testing. Allele origin: germline.
Comment: The p.K731R variant (also known as c.2192A>G), located in coding exon 9 of the BRCA1 gene, results from an A to G substitution at nucleotide position 2192. The lysine at codon 731 is replaced by arginine, an amino acid with highly similar properties. This amino acid position is poorly conserved in available vertebrate species. In addition, this alteration is predicted to be tolerated by in silico analysis. Based on the available evidence, the clinical significance of this variant remains unclear.